The following is an entry in ClinVar:

ClinVar aggregate classification (germline): Uncertain significance (1 of 4 stars; one submission).

Conditions:
Leukocyte adhesion deficiency 3. Also called: Leukocyte adhesion deficiency, type III; INTEGRIN ACTIVATION DEFICIENCY DISEASE; LEUKOCYTE ADHESION DEFICIENCY 1 VARIANT. Identifiers: Orphanet 2968, Orphanet 99844, MedGen C2748536, MONDO:0013016, OMIM 612840.

Submission:

Labcorp Genetics (formerly Invitae), Labcorp
Classification: Uncertain significance for Leukocyte adhesion deficiency 3. Last evaluated: 2019-06-04. Review status: criteria provided, single submitter. Criteria: Invitae Variant Classification Sherloc (09022015). Collection method: clinical testing. Allele origin: germline.
Comment: This sequence change replaces leucine with valine at codon 323 of the FERMT3 protein (p.Leu323Val). The leucine residue is moderately conserved and there is a small physicochemical difference between leucine and valine. In summary, the available evidence is currently insufficient to determine the role of this variant in disease. Therefore, it has been classified as a Variant of Uncertain Significance. Algorithms developed to predict the effect of missense changes on protein structure and function (SIFT, PolyPhen-2, Align-GVGD) all suggest that this variant is likely to be tolerated, but these predictions have not been confirmed by published functional studies and their clinical significance is uncertain. This variant has not been reported in the literature in individuals with FERMT3-related conditions. This variant is not present in population databases (ExAC no frequency).

NM_031471.6(FERMT3):c.967C>G (p.Leu323Val)

Gene: FERMT3 (FERM domain containing kindlin 3; plus strand). Cytogenetic location: 11q13.1.
Variant type: single nucleotide variant.
Coding change: c.967C>G on transcript NM_031471.6 (MANE Select); coding-DNA position 967, C replaced by G.
Protein change: p.Leu323Val; replaces leucine 323 with valine.
Molecular consequence: missense variant.
Genome position (GRCh38, 1-based): chr11:64,219,596, C>G. VCF-style: chr11-64219596-C-G. GRCh37 (hg19) VCF-style: chr11-63987068-C-G.
Other names: c.967C>G, p.Leu323Val (NM_001382361.1, NM_001382362.1, NM_001382448.1 and 1 more transcripts); c.427C>G, p.Leu143Val (NM_001382363.1, NM_001382364.1); short protein forms L143V, L323V.
Identifiers: ClinVar variation 936549 (VCV000936549.9), dbSNP rs1177180183, ClinGen allele CA381085332.